The following is an entry in ClinVar:

NM_030962.4(SBF2):c.3784C>G (p.Leu1262Val)

Gene: SBF2 (SET binding factor 2; minus strand). Cytogenetic location: 11p15.4.
Variant type: single nucleotide variant.
Coding change: c.3784C>G on transcript NM_030962.4 (MANE Select); coding-DNA position 3784, C replaced by G.
Protein change: p.Leu1262Val; replaces leucine 1262 with valine.
Molecular consequence: missense variant.
Genome position (GRCh38, 1-based): chr11:9,829,365, G>C on the plus strand (C>G on the coding strand, the complement: SBF2 is on the minus strand). VCF-style: chr11-9829365-G-C. GRCh37 (hg19) VCF-style: chr11-9850912-G-C.
Other names: c.3784C>G (NM_030962.3); c.3784C>G, p.Leu1262Val (NM_001386339.1); c.3655C>G, p.Leu1219Val (NM_001386342.1); short protein forms L1219V, L1262V.
Identifiers: ClinVar variation 1389995 (VCV001389995.7), dbSNP rs1270676073, ClinGen allele CA379645168.

ClinVar aggregate classification (germline): Uncertain significance. Review status: criteria provided, multiple submitters, no conflicts (2 of 4 stars). 2 submissions from 2 submitters: Uncertain significance (2). Last evaluated 2023-02-28.

Conditions:
Inborn genetic diseases. Identifiers: MedGen C0950123, MeSH D030342.
Charcot-Marie-Tooth disease type 4. Also called: Charcot-Marie-Tooth, Type 4; Charcot-Marie-Tooth disease, type IV. Identifiers: Orphanet 64749, MedGen C4082197, MONDO:0018995.

Submissions (2):

Ambry Genetics
Classification: Uncertain significance for Inborn genetic diseases. Last evaluated: 2023-02-28. Review status: criteria provided, single submitter. Criteria: Ambry Variant Classification Scheme 2023. Collection method: clinical testing. Allele origin: germline.

Labcorp Genetics (formerly Invitae), Labcorp
Classification: Uncertain significance for Charcot-Marie-Tooth disease type 4. Last evaluated: 2021-10-28. Review status: criteria provided, single submitter. Criteria: Invitae Variant Classification Sherloc (09022015). Collection method: clinical testing. Allele origin: germline.
Comment: In summary, the available evidence is currently insufficient to determine the role of this variant in disease. Therefore, it has been classified as a Variant of Uncertain Significance. Algorithms developed to predict the effect of missense changes on protein structure and function (SIFT, PolyPhen-2, Align-GVGD) all suggest that this variant is likely to be tolerated. This variant has not been reported in the literature in individuals affected with SBF2-related conditions. This variant is not present in population databases (gnomAD no frequency). This sequence change replaces leucine, which is neutral and non-polar, with valine, which is neutral and non-polar, at codon 1262 of the SBF2 protein (p.Leu1262Val).